The following is an entry in ClinVar:

ClinVar aggregate classification (germline): Uncertain significance. Review status: criteria provided, multiple submitters, no conflicts (2 of 4 stars). 3 submissions from 3 submitters: Uncertain significance (3). Last evaluated 2026-01-16.

Conditions:
Hereditary cancer-predisposing syndrome. Also called: Tumor predisposition; Hereditary Cancer Syndrome; Neoplastic Syndromes, Hereditary; Hereditary neoplastic syndrome. Identifiers: Orphanet 140162, MedGen C0027672, MeSH D009386, MONDO:0015356.
Ataxia-telangiectasia syndrome (AT). Also called: Cerebello-oculocutaneous telangiectasia; Immunodeficiency with ataxia telangiectasia; Ataxia-telangiectasia, complementation group D; AT, COMPLEMENTATION GROUP C; Ataxia-telangiectasia, complementation group E; LOUIS-BAR SYNDROME. Identifiers: Orphanet 100, MedGen C0004135, MONDO:0008840, OMIM 208900.

Allele frequency attached by ClinVar (database versions not stated): gnomAD exomes below 0.00001; TOPMed below 0.00001.
gnomAD v4.1: 2 of 1,613,988 alleles (0.00012%); highest among the groups gnomAD compares: African/African-American, 0.0013%; no homozygotes.

Submissions (3):

Labcorp Genetics (formerly Invitae), Labcorp
Classification: Uncertain significance for Ataxia-telangiectasia syndrome. Last evaluated: 2026-01-16. Review status: criteria provided, single submitter. Criteria: Invitae Variant Classification Sherloc (09022015). Collection method: clinical testing. Allele origin: germline.
Comment: This sequence change replaces threonine, which is neutral and polar, with isoleucine, which is neutral and non-polar, at codon 1523 of the ATM protein (p.Thr1523Ile). This variant is not present in population databases (gnomAD no frequency). This variant has not been reported in the literature in individuals affected with ATM-related conditions. ClinVar contains an entry for this variant (Variation ID: 453526). Invitae Evidence Modeling of protein sequence and biophysical properties (such as structural, functional, and spatial information, amino acid conservation, physicochemical variation, residue mobility, and thermodynamic stability) indicates that this missense variant is not expected to disrupt ATM protein function with a negative predictive value of 95%. In summary, the available evidence is currently insufficient to determine the role of this variant in disease. Therefore, it has been classified as a Variant of Uncertain Significance.

Ambry Genetics
Classification: Uncertain significance for Hereditary cancer-predisposing syndrome. Last evaluated: 2023-10-27. Review status: criteria provided, single submitter. Criteria: Ambry Variant Classification Scheme 2023. Collection method: clinical testing. Allele origin: germline.
Comment: The p.T1523I variant (also known as c.4568C>T), located in coding exon 29 of the ATM gene, results from a C to T substitution at nucleotide position 4568. The threonine at codon 1523 is replaced by isoleucine, an amino acid with similar properties. This amino acid position is conserved. In addition, this alteration is predicted to be deleterious by in silico analysis. Since supporting evidence is limited at this time, the clinical significance of this alteration remains unclear.

GeneDx
Classification: Uncertain significance. Last evaluated: 2022-02-21. Review status: criteria provided, single submitter. Criteria: GeneDx Variant Classification Process June 2021. Collection method: clinical testing. Allele origin: germline. Affected: yes.
Comment: Not observed at significant frequency in large population cohorts (gnomAD); In silico analysis supports that this missense variant has a deleterious effect on protein structure/function; Has not been previously published as pathogenic or benign to our knowledge

NM_000051.4(ATM):c.4568C>T (p.Thr1523Ile)

Gene: ATM (ATM serine/threonine kinase; plus strand). Cytogenetic location: 11q22.3.
Variant type: single nucleotide variant.
Coding change: c.4568C>T on transcript NM_000051.4 (MANE Select); coding-DNA position 4568, C replaced by T.
Protein change: p.Thr1523Ile; replaces threonine 1523 with isoleucine.
Molecular consequence: missense variant.
Genome position (GRCh38, 1-based): chr11:108,292,750, C>T. VCF-style: chr11-108292750-C-T. GRCh37 (hg19) VCF-style: chr11-108163477-C-T.
Other names: c.4568C>T, p.Thr1523Ile (NM_001351834.2); short protein forms T1523I.
Identifiers: ClinVar variation 453526 (VCV000453526.10), dbSNP rs1555099959, ClinGen allele CA382533884.